The following is an entry in ClinVar:

ClinVar aggregate classification (germline): Pathogenic. Review status: criteria provided, multiple submitters, no conflicts (2 of 4 stars). 3 submissions from 3 submitters: Pathogenic (3). Last evaluated 2026-09-08.

Conditions:
Fabry disease. Also called: Fabry's disease; Angiokeratoma corporis diffusum; Ceramide trihexosidosis; GLA DEFICIENCY; HEREDITARY DYSTOPIC LIPIDOSIS; ALPHA-GALACTOSIDASE A DEFICIENCY. Identifiers: Orphanet 324, MedGen C0002986, MONDO:0010526, OMIM 301500, HP:0001071. Disease mechanism: Fabry disease is due to inactivating mutations in the X-linked GLA gene resulting in deficiency of the enzyme Alpha Galactosidase-A., loss of function.

Submissions (3):

Genomenon, Inc
Classification: Pathogenic for Fabry disease. Last evaluated: 2026-09-08. Review status: criteria provided, single submitter. Criteria: Genomenon Sequence Variant Interpretation Standards - Updated. Collection method: curation. Allele origin: germline. Affected: yes.
Comment: GLA p.Phe113_Arg118del (c.337_354del) is an in-frame deletion that results in the loss of multiple amino acids, from Phenylalanine at codon 113 to Arginine at codon 118. This variant has been observed in at least one proband with clinical features consistent with Fabry disease (PMID:7531540;10649504;34363016). At least one functional study has demonstrated a substantial alteration in protein function relative to the wild-type (PMID:27657681). It is absent or not present at a significant frequency in gnomAD. In conclusion, we classify GLA p.Phe113_Arg118del (c.337_354del) as a pathogenic variant.

Labcorp Genetics (formerly Invitae), Labcorp
Classification: Pathogenic for Fabry disease. Last evaluated: 2023-02-25. Review status: criteria provided, single submitter. Criteria: Invitae Variant Classification Sherloc (09022015). Collection method: clinical testing. Allele origin: germline.
Comment: For these reasons, this variant has been classified as Pathogenic. This variant disrupts a region of the GLA protein in which other variant(s) (p.Phe113Leu) have been determined to be pathogenic (PMID: 16773563, 17555407, 32099817). This suggests that this is a clinically significant region of the protein, and that variants that disrupt it are likely to be disease-causing. ClinVar contains an entry for this variant (Variation ID: 1180491). This variant has been observed in individuals with Fabry disease (PMID: 7531540; Invitae). This variant is not present in population databases (gnomAD no frequency). This variant, c.337_354del, results in the deletion of 6 amino acid(s) of the GLA protein (p.Phe113_Arg118del), but otherwise preserves the integrity of the reading frame.

Human Genome Sequencing Center Clinical Lab, Baylor College of Medicine
Classification: Pathogenic for Fabry disease. Last evaluated: 2019-11-07. Review status: criteria provided, single submitter. Criteria: ACMG Guidelines, 2015. Collection method: clinical testing. Allele origin: germline.
Comment: The c.337_354del (p.Phe113_Arg118del) variant in the GLA gene is an in-frame deletion of 18 bp that is predicted to shorten the encoded protein by 6 amino acids but does not introduce a frameshift. Also known as c.333del18, this variant is a known pathogenic variant associated with the classic Fabry phenotype (PMID: 7531540). It is absent from general population databases. We consider this variant is to be pathogenic.

Literature cited by the submitters: PubMed 7531540 (cited by Genomenon, Inc and Labcorp Genetics (formerly Invitae), Labcorp); PubMed 10649504 (cited by Genomenon, Inc); PubMed 34363016 (cited by Genomenon, Inc); PubMed 27657681 (cited by Genomenon, Inc); PubMed 16773563 (cited by Labcorp Genetics (formerly Invitae), Labcorp); PubMed 17555407 (cited by Labcorp Genetics (formerly Invitae), Labcorp); PubMed 32099817 (cited by Labcorp Genetics (formerly Invitae), Labcorp).

NM_000169.3(GLA):c.337_354del (p.Phe113_Arg118del)

Genes: GLA (galactosidase alpha; minus strand), RPL36A-HNRNPH2 (RPL36A-HNRNPH2 readthrough; plus strand). Cytogenetic location: Xq22.1.
Variant type: Deletion.
Coding change: c.337_354del on transcript NM_000169.3 (MANE Select); coding-DNA positions 337 to 354, 18 bases deleted (TTTCCTCATGGGATTCGC).
Protein change: p.Phe113_Arg118del.
Molecular consequence: inframe deletion. On other transcripts: inframe indel (1), non-coding transcript variant (3), intron variant (2).
Genome position (GRCh38, 1-based): chrX:101,403,826-101,403,843, GCGAATCCCATGAGGAAA deleted on the plus strand (TTTCCTCATGGGATTCGC on the coding strand, the reverse complement: GLA is on the minus strand); deleting any 18 consecutive bases within chrX:101,403,826-101,403,846 gives the same sequence; the c. name uses the placement nearest the transcript's 3' end. VCF-style (leftmost placement, unchanged base first): chrX-101403825-GGCGAATCCCATGAGGAAA-G. GRCh37 (hg19) VCF-style: chrX-100658813-GGCGAATCCCATGAGGAAA-G.
Other names: c.334_351del18, p.Phe113_Arg118del (NM_000169.2); c.460_477del, p.Phe154_Arg159del (NM_001406747.1, NM_001406749.1); c.337_354del, p.Phe113_Arg118del (NM_001406748.1); c.301-8107_301-8090del (NM_001199973.2); c.178-8107_178-8090del (NM_001199974.2).
Identifiers: ClinVar variation 1180491 (VCV001180491.6), dbSNP rs2147480442, ClinGen allele CA2499226282.